The following is an entry in ClinVar:

ClinVar aggregate classification (germline): Likely benign (1 of 4 stars; one submission).

gnomAD v4.1: 25 of 1,613,312 alleles (0.0015%); highest among the groups gnomAD compares: African/African-American, 0.0094%; no homozygotes.

Submission:

CeGaT Center for Human Genetics Tuebingen
Classification: Likely benign. Last evaluated: 2025-11-01. Review status: criteria provided, single submitter. Criteria: CeGaT Center For Human Genetics Tuebingen Variant Classification Criteria Version 2. Collection method: clinical testing. Allele origin: germline. Affected: yes. Observed: 1 variant allele.
Comment: DOCK4: BP4

NM_001363540.2(DOCK4):c.2714G>A (p.Arg905Gln)

Gene: DOCK4 (dedicator of cytokinesis 4; minus strand). Cytogenetic location: 7q31.1.
Variant type: single nucleotide variant.
Coding change: c.2714G>A on transcript NM_001363540.2 (MANE Select); coding-DNA position 2714, G replaced by A.
Protein change: p.Arg905Gln; replaces arginine 905 with glutamine.
Molecular consequence: missense variant.
Genome position (GRCh38, 1-based): chr7:111,844,785, C>T on the plus strand (G>A on the coding strand, the complement: DOCK4 is on the minus strand). VCF-style: chr7-111844785-C-T. GRCh37 (hg19) VCF-style: chr7-111484841-C-T.
Other names: c.2714G>A, p.Arg905Gln (NM_014705.4); short protein forms R905Q.
Identifiers: ClinVar variation 4534417 (VCV004534417.6).